The following is an entry in ClinVar:

NM_133259.4(LRPPRC):c.2210+1G>A

Gene: LRPPRC (leucine rich pentatricopeptide repeat containing; minus strand). Cytogenetic location: 2p21.
Variant type: single nucleotide variant.
Coding change: c.2210+1G>A on transcript NM_133259.4 (MANE Select); the canonical splice donor site of the intron after coding-DNA position 2210, G replaced by A.
Molecular consequence: splice donor variant.
Genome position (GRCh38, 1-based): chr2:43,946,112, C>T on the plus strand (G>A on the coding strand, the complement: LRPPRC is on the minus strand). VCF-style: chr2-43946112-C-T. GRCh37 (hg19) VCF-style: chr2-44173251-C-T.
Identifiers: ClinVar variation 2767137 (VCV002767137.3), dbSNP rs2466564858, ClinGen allele CA346674418.

ClinVar aggregate classification (germline): Likely pathogenic (1 of 4 stars; one submission).

gnomAD v4.1: 1 of 1,612,466 alleles (0.000062%); highest among the groups gnomAD compares: Non-Finnish European, 0.000085%; no homozygotes.

Submission:

Labcorp Genetics (formerly Invitae), Labcorp
Classification: Likely pathogenic. Last evaluated: 2023-10-09. Review status: criteria provided, single submitter. Criteria: Invitae Variant Classification Sherloc (09022015). Collection method: clinical testing. Allele origin: germline.
Comment: This sequence change affects a donor splice site in intron 21 of the LRPPRC gene. It is expected to disrupt RNA splicing. Variants that disrupt the donor or acceptor splice site typically lead to a loss of protein function (PMID: 16199547), and loss-of-function variants in LRPPRC are known to be pathogenic (PMID: 26510951). This variant is not present in population databases (gnomAD no frequency). This variant has not been reported in the literature in individuals affected with LRPPRC-related conditions. Algorithms developed to predict the effect of sequence changes on RNA splicing suggest that this variant may disrupt the consensus splice site. In summary, the currently available evidence indicates that the variant is pathogenic, but additional data are needed to prove that conclusively. Therefore, this variant has been classified as Likely Pathogenic.

Literature cited by the submitters: PubMed 16199547; PubMed 26510951.